The following is an entry in ClinVar:

NM_006393.3(NEBL):c.732T>A (p.His244Gln)

Gene: NEBL (nebulette; minus strand). Cytogenetic location: 10p12.31.
Variant type: single nucleotide variant.
Coding change: c.732T>A on transcript NM_006393.3 (MANE Select); coding-DNA position 732, T replaced by A.
Protein change: p.His244Gln; replaces histidine 244 with glutamine.
Molecular consequence: missense variant. On other transcripts: intron variant (9).
Genome position (GRCh38, 1-based): chr10:20,859,779, A>T on the plus strand (T>A on the coding strand, the complement: NEBL is on the minus strand). VCF-style: chr10-20859779-A-T. GRCh37 (hg19) VCF-style: chr10-21148708-A-T.
Other names: c.250-46839T>A (NM_001377326.1, NM_001377327.1, NM_001377328.1); c.358-46839T>A (NM_213569.2, NM_001173484.2, NM_001377322.1); c.301-46839T>A (NM_001377324.1); c.292-46839T>A (NM_001377325.1); c.310-46839T>A (NM_001377323.1); short protein forms H244Q.
Identifiers: ClinVar variation 843046 (VCV000843046.1), dbSNP rs1843479030, ClinGen allele CA376102374.
Genomic context (GRCh38, chr10:20,859,779, plus strand): 5'-CGCCAGTGTAGCAGCAAGCTGATTCTGCCTAAAAGAAGCACTTTCAAGAGGATTGTAATG[A>T]TGTTTCTTATCCTTCATTTCATTATCAAATTTTTCTTTGTATTTAATCTGTCATAAAAGA-3'
Protein context (NP_006384.1, residues 234-254): KFDNEMKDKK[His244Gln]HYNPLESASF

ClinVar aggregate classification (germline): Uncertain significance (1 of 4 stars; one submission).

Conditions:
Primary dilated cardiomyopathy (DCM). Also called: Dilated Cardiomyopathy. Identifiers: Orphanet 217604, MedGen C0007193, MeSH D002311, MONDO:0005021, HP:0001644. Inheritance: Various modes of inheritance.

Allele frequency attached by ClinVar (database versions not stated): gnomAD exomes below 0.00001.
gnomAD v4.1: 2 of 1,600,024 alleles (0.00012%); highest among the groups gnomAD compares: Non-Finnish European, 0.000086%; no homozygotes.

Submission:

Labcorp Genetics (formerly Invitae), Labcorp
Classification: Uncertain significance for Primary dilated cardiomyopathy. Last evaluated: 2019-02-13. Review status: criteria provided, single submitter. Criteria: Invitae Variant Classification Sherloc (09022015). Collection method: clinical testing. Allele origin: germline.
Comment: This sequence change replaces histidine with glutamine at codon 244 of the NEBL protein (p.His244Gln). The histidine residue is moderately conserved and there is a small physicochemical difference between histidine and glutamine. This variant is not present in population databases (ExAC no frequency). This variant has not been reported in the literature in individuals with NEBL-related conditions. Algorithms developed to predict the effect of missense changes on protein structure and function are either unavailable or do not agree on the potential impact of this missense change (SIFT: "Tolerated"; PolyPhen-2: "Possibly Damaging"; Align-GVGD: "Class C0"). In summary, the available evidence is currently insufficient to determine the role of this variant in disease. Therefore, it has been classified as a Variant of Uncertain Significance.